The following is an entry in ClinVar:

ClinVar aggregate classification (germline): Uncertain significance. Review status: criteria provided, multiple submitters, no conflicts (2 of 4 stars). 2 submissions from 2 submitters: Uncertain significance (2). Last evaluated 2024-05-09.

Conditions:
Progressive sclerosing poliodystrophy (MTDPS4A). Also called: Alpers-Huttenlocher Syndrome (AHS); NEURONAL DEGENERATION OF CHILDHOOD WITH LIVER DISEASE, PROGRESSIVE; Mitochondrial DNA depletion syndrome 4A (Alpers type); Mitochondrial DNA Depletion Syndrome 4A; ALPERS PROGRESSIVE INFANTILE POLIODYSTROPHY; Alpers Syndrome. Identifiers: Orphanet 726, MedGen C0205710, MONDO:0008758, OMIM 203700.

gnomAD v4.1: 2 of 1,614,190 alleles (0.00012%); highest among the groups gnomAD compares: Non-Finnish European, 0.00017%; no homozygotes.

Submissions (2):

Labcorp Genetics (formerly Invitae), Labcorp
Classification: Uncertain significance for Progressive sclerosing poliodystrophy. Last evaluated: 2024-05-09. Review status: criteria provided, single submitter. Criteria: Invitae Variant Classification Sherloc (09022015). Collection method: clinical testing. Allele origin: germline.
Comment: This sequence change replaces leucine, which is neutral and non-polar, with phenylalanine, which is neutral and non-polar, at codon 1109 of the POLG protein (p.Leu1109Phe). This variant is not present in population databases (gnomAD no frequency). This variant has not been reported in the literature in individuals affected with POLG-related conditions. ClinVar contains an entry for this variant (Variation ID: 1701265). Advanced modeling of protein sequence and biophysical properties (such as structural, functional, and spatial information, amino acid conservation, physicochemical variation, residue mobility, and thermodynamic stability) performed at Invitae indicates that this missense variant is expected to disrupt POLG protein function with a positive predictive value of 80%. In summary, the available evidence is currently insufficient to determine the role of this variant in disease. Therefore, it has been classified as a Variant of Uncertain Significance.

CeGaT Center for Human Genetics Tuebingen
Classification: Uncertain significance. Last evaluated: 2022-07-01. Review status: criteria provided, single submitter. Criteria: CeGaT Center For Human Genetics Tuebingen Variant Classification Criteria Version 2. Collection method: clinical testing. Allele origin: germline. Affected: yes. Observed: 1 variant allele.
Comment: POLG: PM2, PM3, PP3

NM_002693.3(POLG):c.3327A>C (p.Leu1109Phe)

Gene: POLG (DNA polymerase gamma, catalytic subunit; minus strand). Cytogenetic location: 15q26.1.
Variant type: single nucleotide variant.
Coding change: c.3327A>C on transcript NM_002693.3 (MANE Select); coding-DNA position 3327, A replaced by C.
Protein change: p.Leu1109Phe; replaces leucine 1109 with phenylalanine.
Molecular consequence: missense variant.
Genome position (GRCh38, 1-based): chr15:89,318,696, T>G on the plus strand (A>C on the coding strand, the complement: POLG is on the minus strand). VCF-style: chr15-89318696-T-G. GRCh37 (hg19) VCF-style: chr15-89861927-T-G.
Other names: c.3327A>C, p.Leu1109Phe (NM_001126131.2); short protein forms L1109F.
Identifiers: ClinVar variation 1701265 (VCV001701265.35), dbSNP rs2152058767, ClinGen allele CA393749984.